The following is an entry in ClinVar:

ClinVar aggregate classification (germline): Benign. Review status: criteria provided, multiple submitters, no conflicts (2 of 4 stars). 7 submissions from 5 submitters: Benign (7). Last evaluated 2026-02-04.

Conditions:
Lethal Kniest-like syndrome (DDSH). Also called: Dyssegmental Dysplasia. Identifiers: Orphanet 1865, MedGen C1857100, MONDO:0009140, OMIM 224410.
Schwartz-Jampel syndrome. Also called: Myotonic myopathy dwarfism chondrodystrophy and ocular and facial abnormalities. Identifiers: Orphanet 800, MedGen C0036391, MONDO:0009717.

Allele frequency attached by ClinVar (database versions not stated): TOPMed 0.14073; ESP Exome Variant Server 0.14593; gnomAD 0.14722 and 0.15339; 1000 Genomes Project 30x 0.17161; 1000 Genomes Project 0.17612; gnomAD exomes 0.18136 and 0.18527; ExAC 0.18487.
gnomAD v4.1: 293,522 of 1,611,800 alleles (18%); highest among the groups gnomAD compares: South Asian, 28%; 28,374 homozygotes.

Submissions (7):

Labcorp Genetics (formerly Invitae), Labcorp
Classification: Benign. Last evaluated: 2026-02-04. Review status: criteria provided, single submitter. Criteria: Invitae Variant Classification Sherloc (09022015). Collection method: clinical testing. Allele origin: germline.

Genome-Nilou Lab
Classification: Benign for Lethal Kniest-like syndrome. Last evaluated: 2021-08-10. Review status: criteria provided, single submitter. Criteria: ACMG Guidelines, 2015. Collection method: clinical testing. Allele origin: germline. Affected: no.

Genome-Nilou Lab
Classification: Benign for Schwartz-Jampel syndrome type 1. Last evaluated: 2021-08-10. Review status: criteria provided, single submitter. Criteria: ACMG Guidelines, 2015. Collection method: clinical testing. Allele origin: germline. Affected: no.

GeneDx
Classification: Benign. Last evaluated: 2018-08-19. Review status: criteria provided, single submitter. Criteria: GeneDx Variant Classification Process June 2021. Collection method: clinical testing. Allele origin: germline. Affected: yes.

Illumina Laboratory Services, Illumina
Classification: Benign for Schwartz-Jampel syndrome type 1. Last evaluated: 2018-01-13. Review status: criteria provided, single submitter. Criteria: ICSL Variant Classification Criteria 13 December 2019. Collection method: clinical testing. Allele origin: germline.
Comment: This variant was observed in the ICSL laboratory as part of a predisposition screen in an ostensibly healthy population. It had not been previously curated by ICSL or reported in the Human Gene Mutation Database (HGMD: prior to June 1st, 2018), and was therefore a candidate for classification through an automated scoring system. Utilizing variant allele frequency, disease prevalence and penetrance estimates, and inheritance mode, an automated score was calculated to assess if this variant is too frequent to cause the disease. Based on the score and internal cut-off values, a variant classified as benign is not then subjected to further curation. The score for this variant resulted in a classification of benign for this disease.

Illumina Laboratory Services, Illumina
Classification: Benign for Lethal Kniest-like syndrome. Last evaluated: 2018-01-13. Review status: criteria provided, single submitter. Criteria: ICSL Variant Classification Criteria 13 December 2019. Collection method: clinical testing. Allele origin: germline.
Comment: the same text as in the submission from Illumina Laboratory Services, Illumina above.

Breakthrough Genomics
Classification: Benign. Review status: criteria provided, single submitter. Criteria: ACMG Guidelines, 2015. Collection method: not provided. Allele origin: germline. Inheritance: Autosomal recessive inheritance. Affected: yes.

NM_005529.7(HSPG2):c.12992G>A (p.Ser4331Asn)

Genes: HSPG2 (heparan sulfate proteoglycan 2; minus strand), LDLRAD2 (low density lipoprotein receptor class A domain containing 2; plus strand). Cytogenetic location: 1p36.12.
Variant type: single nucleotide variant.
Coding change: c.12992G>A on transcript NM_005529.7 (MANE Select); coding-DNA position 12992, G replaced by A.
Protein change: p.Ser4331Asn; replaces serine 4331 with asparagine.
Molecular consequence: missense variant. On other transcripts: 3 prime UTR variant (1).
Genome position (GRCh38, 1-based): chr1:21,823,627, C>T on the plus strand (G>A on the coding strand, the complement: HSPG2 is on the minus strand). VCF-style: chr1-21823627-C-T. GRCh37 (hg19) VCF-style: chr1-22150120-C-T.
Other names: c.12995G>A, p.Ser4332Asn (NM_001291860.2); c.*1412C>T (NM_001013693.3); short protein forms S4331N, S4332N.
Identifiers: ClinVar variation 295700 (VCV000295700.17), dbSNP rs3736360, ClinGen allele CA669189.